The following is an entry in ClinVar:

ClinVar aggregate classification (germline): Uncertain significance. Review status: criteria provided, multiple submitters, no conflicts (2 of 4 stars). 2 submissions from 2 submitters: Uncertain significance (2). Last evaluated 2026-05-08.

Conditions:
BDP1-related disorder. Also called: BDP1-related condition.

gnomAD v4.1: 36 of 1,603,728 alleles (0.0022%); highest among the groups gnomAD compares: African/African-American, 0.048%; no homozygotes.

Submissions (2):

PreventionGenetics, part of Exact Sciences
Classification: Uncertain significance for BDP1-related condition. Last evaluated: 2026-05-08. Review status: criteria provided, single submitter. Criteria: ACMG Guidelines, 2015. Collection method: clinical testing. Allele origin: germline.
Comment: The BDP1 c.6748A>G variant is predicted to result in the amino acid substitution p.Thr2250Ala. To our knowledge, this variant has not been reported in the literature. This variant is reported in 0.054% of alleles in individuals of African descent in gnomAD. Although we suspect that this variant may be benign, at this time, the clinical significance of this variant is uncertain due to the absence of conclusive functional and genetic evidence.

Ambry Genetics
Classification: Uncertain significance. Last evaluated: 2024-09-03. Review status: criteria provided, single submitter. Criteria: Ambry Variant Classification Scheme 2023. Collection method: clinical testing. Allele origin: germline.

NM_018429.3(BDP1):c.6748A>G (p.Thr2250Ala)

Gene: BDP1 (BDP1 general transcription factor IIIB subunit; plus strand). Cytogenetic location: 5q13.2.
Variant type: single nucleotide variant.
Coding change: c.6748A>G on transcript NM_018429.3 (MANE Select); coding-DNA position 6748, A replaced by G.
Protein change: p.Thr2250Ala; replaces threonine 2250 with alanine.
Molecular consequence: missense variant.
Genome position (GRCh38, 1-based): chr5:71,548,685, A>G. VCF-style: chr5-71548685-A-G. GRCh37 (hg19) VCF-style: chr5-70844512-A-G.
Other names: short protein forms T2250A.
Identifiers: ClinVar variation 3480356 (VCV003480356.2).